The following is an entry in ClinVar:

NM_001194998.2(CEP152):c.2281-1G>C

Gene: CEP152 (centrosomal protein 152; minus strand). Cytogenetic location: 15q21.1.
Variant type: single nucleotide variant.
Coding change: c.2281-1G>C on transcript NM_001194998.2 (MANE Select); the canonical splice acceptor site of the intron before coding-DNA position 2281, G replaced by C.
Molecular consequence: splice acceptor variant.
Genome position (GRCh38, 1-based): chr15:48,762,673, C>G on the plus strand (G>C on the coding strand, the complement: CEP152 is on the minus strand). VCF-style: chr15-48762673-C-G. GRCh37 (hg19) VCF-style: chr15-49054870-C-G.
Other names: c.2281-1G>C (NM_014985.4).
Identifiers: ClinVar variation 2751587 (VCV002751587.3), dbSNP rs1296360030, ClinGen allele CA392347708.

ClinVar aggregate classification (germline): Likely pathogenic (1 of 4 stars; one submission).

Submission:

Labcorp Genetics (formerly Invitae), Labcorp
Classification: Likely pathogenic. Last evaluated: 2023-08-10. Review status: criteria provided, single submitter. Criteria: Invitae Variant Classification Sherloc (09022015). Collection method: clinical testing. Allele origin: germline.
Comment: This sequence change affects an acceptor splice site in intron 17 of the CEP152 gene. It is expected to disrupt RNA splicing. Variants that disrupt the donor or acceptor splice site typically lead to a loss of protein function (PMID: 16199547), and loss-of-function variants in CEP152 are known to be pathogenic (PMID: 21131973). This variant is present in population databases (no rsID available, gnomAD 0.0009%). This variant has not been reported in the literature in individuals affected with CEP152-related conditions. Algorithms developed to predict the effect of sequence changes on RNA splicing suggest that this variant may disrupt the consensus splice site. In summary, the currently available evidence indicates that the variant is pathogenic, but additional data are needed to prove that conclusively. Therefore, this variant has been classified as Likely Pathogenic.

Literature cited by the submitters: PubMed 16199547; PubMed 21131973.